The following is an entry in ClinVar:

ClinVar aggregate classification (germline): Uncertain significance (1 of 4 stars; one submission).

Conditions:
SIM1-related disorder. Also called: SIM1-related disorders; SIM1-related condition.

Submission:

PreventionGenetics, part of Exact Sciences
Classification: Uncertain significance for SIM1-related condition. Last evaluated: 2025-12-09. Review status: criteria provided, single submitter. Criteria: ACMG Guidelines, 2015. Collection method: clinical testing. Allele origin: germline.
Comment: The SIM1 c.1337_1338delinsTG variant is predicted to result in an in-frame deletion and insertion. To our knowledge, this variant has not been reported in the literature or in a large population database (gnomAD), indicating this variant is rare. At this time, the clinical significance of this variant is uncertain due to the absence of conclusive functional and genetic evidence.

NM_005068.3(SIM1):c.1337_1338delinsTG (p.Cys446Leu)

Genes: SIM1 (SIM bHLH transcription factor 1; minus strand), SIM1-AS1 (SIM1 antisense RNA 1; plus strand). Cytogenetic location: 6q16.3.
Variant type: Indel.
Coding change: c.1337_1338delinsTG on transcript NM_005068.3 (MANE Select); coding-DNA positions 1337 to 1338, GC replaced by TG.
Protein change: p.Cys446Leu; replaces cysteine 446 with leucine.
Molecular consequence: missense variant. On other transcripts: non-coding transcript variant (1).
Genome position (GRCh38, 1-based): chr6:100,393,719-100,393,720, GC replaced by CA on the plus strand (GC replaced by TG on the coding strand, the reverse complement: SIM1 is on the minus strand). VCF-style: chr6-100393719-GC-CA. GRCh37 (hg19) VCF-style: chr6-100841595-GC-CA.
Other names: c.1337_1338delinsTG, p.Cys446Leu (NM_001374769.1); short protein forms C446L.
Identifiers: ClinVar variation 4986489 (VCV004986489.1).